The following is an entry in ClinVar:

NM_001134673.4(NFIA):c.563C>T (p.Ser188Leu)

Gene: NFIA (nuclear factor I A; plus strand). Cytogenetic location: 1p31.3.
Variant type: single nucleotide variant.
Coding change: c.563C>T on transcript NM_001134673.4 (MANE Select); coding-DNA position 563, C replaced by T.
Protein change: p.Ser188Leu; replaces serine 188 with leucine.
Molecular consequence: missense variant.
Genome position (GRCh38, 1-based): chr1:61,277,523, C>T. VCF-style: chr1-61277523-C-T. GRCh37 (hg19) VCF-style: chr1-61743195-C-T.
Other names: c.698C>T (NM_001145512.1); c.539C>T, p.Ser180Leu (NM_001145511.2); c.698C>T, p.Ser233Leu (NM_001145512.2); c.563C>T, p.Ser188Leu (NM_005595.5); short protein forms S180L, S188L, S233L.
Identifiers: ClinVar variation 3617922 (VCV003617922.3).

ClinVar aggregate classification (germline): Uncertain significance. Review status: criteria provided, multiple submitters, no conflicts (2 of 4 stars). 2 submissions from 2 submitters: Uncertain significance (2). Last evaluated 2025-08-10.

Conditions:
Inborn genetic diseases. Identifiers: MedGen C0950123, MeSH D030342.

gnomAD v4.1: 4 of 1,613,550 alleles (0.00025%); highest among the groups gnomAD compares: Admixed American, 0.0067%; no homozygotes.

Submissions (2):

Ambry Genetics
Classification: Uncertain significance for Inborn genetic diseases. Last evaluated: 2025-08-10. Review status: criteria provided, single submitter. Criteria: Ambry Variant Classification Scheme 2023. Collection method: clinical testing. Allele origin: germline.

Labcorp Genetics (formerly Invitae), Labcorp
Classification: Uncertain significance. Last evaluated: 2025-01-02. Review status: criteria provided, single submitter. Criteria: Invitae Variant Classification Sherloc (09022015). Collection method: clinical testing. Allele origin: germline.
Comment: This sequence change replaces serine, which is neutral and polar, with leucine, which is neutral and non-polar, at codon 188 of the NFIA protein (p.Ser188Leu). This variant is present in population databases (rs765264904, gnomAD 0.006%). This variant has not been reported in the literature in individuals affected with NFIA-related conditions. An algorithm developed to predict the effect of missense changes on protein structure and function (PolyPhen-2) suggests that this variant is likely to be tolerated. In summary, the available evidence is currently insufficient to determine the role of this variant in disease. Therefore, it has been classified as a Variant of Uncertain Significance.